The following is an entry in ClinVar:

NM_000384.3(APOB):c.12784C>T (p.Leu4262=)

Gene: APOB (apolipoprotein B; minus strand). Cytogenetic location: 2p24.1.
Variant type: single nucleotide variant.
Coding change: c.12784C>T on transcript NM_000384.3 (MANE Select); coding-DNA position 12784, C replaced by T.
Protein change: p.Leu4262=; no amino-acid change (leucine 4262 retained).
Molecular consequence: synonymous variant.
Genome position (GRCh38, 1-based): chr2:21,002,638, G>A on the plus strand (C>T on the coding strand, the complement: APOB is on the minus strand). VCF-style: chr2-21002638-G-A. GRCh37 (hg19) VCF-style: chr2-21225510-G-A.
Identifiers: ClinVar variation 544094 (VCV000544094.17), dbSNP rs12713457, ClinGen allele CA051084.

ClinVar aggregate classification (germline): Benign/Likely benign. Review status: criteria provided, multiple submitters, no conflicts (2 of 4 stars). 5 submissions from 5 submitters: Benign (1); Likely benign (4). Last evaluated 2026-06-01.

Conditions:
Cardiovascular phenotype. Identifiers: MedGen CN230736.
Hypercholesterolemia, autosomal dominant, type B (FHCL2). Also called: Hyperlipoproteinemia Type IIb; HYPERCHOLESTEROLEMIA, FAMILIAL, DUE TO LIGAND-DEFECTIVE APOLIPOPROTEIN B; Familial Hypercholesterolemia Type B; Familial hypercholesterolemia 2; APOB-Related Familial Hypercholesterolemia, Autosomal Dominant; APOLIPOPROTEIN B-100, FAMILIAL DEFECTIVE. Identifiers: MedGen C1704417, MONDO:0007751, OMIM 144010.
Familial hypobetalipoproteinemia 1. Also called: APOB-Related Familial Hypobetalipoproteinemia; Hypobetalipoproteinemia, normotriglyceridemic; Acanthocytosis with hypobetalipoproteinemia. Identifiers: MedGen C4551990, MONDO:0014252, OMIM 615558.

Allele frequency attached by ClinVar (database versions not stated): gnomAD exomes 0.00002 and 0.00008; ExAC 0.00010; 1000 Genomes Project 30x 0.00016; 1000 Genomes Project 0.00020; ESP Exome Variant Server 0.00031; gnomAD 0.00037 and 0.00044; TOPMed 0.00039.
gnomAD v4.1: 92 of 1,613,818 alleles (0.0057%); highest among the groups gnomAD compares: African/African-American, 0.11%; no homozygotes.

Submissions (5):

CeGaT Center for Human Genetics Tuebingen
Classification: Likely benign. Last evaluated: 2026-06-01. Review status: criteria provided, single submitter. Criteria: CeGaT Center For Human Genetics Tuebingen Variant Classification Criteria Version 2. Collection method: clinical testing. Allele origin: germline. Affected: yes. Observed: 1 variant allele.
Comment: APOB: BP4, BP7

Labcorp Genetics (formerly Invitae), Labcorp
Classification: Benign for Familial hypobetalipoproteinemia 1; Hypercholesterolemia, autosomal dominant, type B. Last evaluated: 2026-01-09. Review status: criteria provided, single submitter. Criteria: Invitae Variant Classification Sherloc (09022015). Collection method: clinical testing. Allele origin: germline.

Quest Diagnostics Nichols Institute San Juan Capistrano
Classification: Likely benign. Last evaluated: 2025-04-08. Review status: criteria provided, single submitter. Criteria: Quest Diagnostics criteria. Collection method: clinical testing. Allele origin: unknown.

Blueprint Genetics
Classification: Likely benign. Last evaluated: 2024-05-28. Review status: criteria provided, single submitter. Criteria: ACMG Guidelines, 2015. Collection method: clinical testing. Allele origin: germline.

Ambry Genetics
Classification: Likely benign for Cardiovascular phenotype. Last evaluated: 2022-06-06. Review status: criteria provided, single submitter. Criteria: Ambry Variant Classification Scheme 2023. Collection method: clinical testing. Allele origin: germline.